The following is an entry in ClinVar:

NM_004393.6(DAG1):c.1662C>G (p.Phe554Leu)

Gene: DAG1 (dystroglycan 1; plus strand). Cytogenetic location: 3p21.31.
Variant type: single nucleotide variant.
Coding change: c.1662C>G on transcript NM_004393.6 (MANE Select); coding-DNA position 1662, C replaced by G.
Protein change: p.Phe554Leu; replaces phenylalanine 554 with leucine.
Molecular consequence: missense variant.
Genome position (GRCh38, 1-based): chr3:49,532,173, C>G. VCF-style: chr3-49532173-C-G. GRCh37 (hg19) VCF-style: chr3-49569606-C-G.
Other names: c.1662C>G, p.Phe554Leu (NM_001165928.4, NM_001177634.3, NM_001177635.3 and 9 more transcripts); short protein forms F554L.
Identifiers: ClinVar variation 3600901 (VCV003600901.1).

ClinVar aggregate classification (germline): Uncertain significance (1 of 4 stars; one submission).

Submission:

GeneDx
Classification: Uncertain significance. Last evaluated: 2024-07-24. Review status: criteria provided, single submitter. Criteria: GeneDx Variant Classification Process June 2021. Collection method: clinical testing. Allele origin: germline. Affected: yes.
Comment: Not observed at significant frequency in large population cohorts (gnomAD); In silico analysis supports that this missense variant has a deleterious effect on protein structure/function; Has not been previously published as pathogenic or benign to our knowledge; This variant is associated with the following publications: (PMID: 21388311)